The following is an entry in ClinVar:

ClinVar aggregate classification (germline): Uncertain significance (1 of 4 stars; one submission).

Conditions:
Bethlem myopathy 1A. Also called: Bethlem Muscular Dystrophy; MYOPATHY, BENIGN CONGENITAL, WITH CONTRACTURES; Bethlem myopathy 1. Identifiers: Orphanet 610, MedGen CN029274, MONDO:0024530, OMIM 158810.

Allele frequency attached by ClinVar (database versions not stated): gnomAD exomes below 0.00001; TOPMed 0.00002.
gnomAD v4.1: 10 of 1,613,498 alleles (0.00062%); highest among the groups gnomAD compares: Non-Finnish European, 0.00068%; no homozygotes.

Submission:

Labcorp Genetics (formerly Invitae), Labcorp
Classification: Uncertain significance for Bethlem myopathy 1A. Last evaluated: 2018-05-30. Review status: criteria provided, single submitter. Criteria: Invitae Variant Classification Sherloc (09022015). Collection method: clinical testing. Allele origin: germline.
Comment: Algorithms developed to predict the effect of missense changes on protein structure and function are either unavailable or do not agree on the potential impact of this missense change (SIFT: "Deleterious"; PolyPhen-2: "Benign"; Align-GVGD: "Class C45"). This sequence change replaces arginine with glycine at codon 2142 of the COL6A3 protein (p.Arg2142Gly). The arginine residue is weakly conserved and there is a moderate physicochemical difference between arginine and glycine. This variant is not present in population databases (ExAC no frequency). This variant has not been reported in the literature in individuals with COL6A3-related disease. In summary, the available evidence is currently insufficient to determine the role of this variant in disease. Therefore, it has been classified as a Variant of Uncertain Significance.

NM_004369.4(COL6A3):c.6424C>G (p.Arg2142Gly)

Gene: COL6A3 (collagen type VI alpha 3 chain; minus strand). Cytogenetic location: 2q37.3.
Variant type: single nucleotide variant.
Coding change: c.6424C>G on transcript NM_004369.4 (MANE Select); coding-DNA position 6424, C replaced by G.
Protein change: p.Arg2142Gly; replaces arginine 2142 with glycine.
Molecular consequence: missense variant.
Genome position (GRCh38, 1-based): chr2:237,358,568, G>C on the plus strand (C>G on the coding strand, the complement: COL6A3 is on the minus strand). VCF-style: chr2-237358568-G-C. GRCh37 (hg19) VCF-style: chr2-238267211-G-C.
Other names: c.4603C>G, p.Arg1535Gly (NM_057166.5); c.5806C>G, p.Arg1936Gly (NM_057167.4); short protein forms R1535G, R1936G, R2142G.
Identifiers: ClinVar variation 1006398 (VCV001006398.9), dbSNP rs530866854, ClinGen allele CA351215430.